The following is an entry in ClinVar:

NM_020778.5(ALPK3):c.3899A>G (p.Asn1300Ser)

Gene: ALPK3 (alpha kinase 3; plus strand). Cytogenetic location: 15q25.3.
Variant type: single nucleotide variant.
Coding change: c.3899A>G on transcript NM_020778.5 (MANE Select); coding-DNA position 3899, A replaced by G.
Protein change: p.Asn1300Ser; replaces asparagine 1300 with serine.
Molecular consequence: missense variant.
Genome position (GRCh38, 1-based): chr15:84,859,324, A>G. VCF-style: chr15-84859324-A-G. GRCh37 (hg19) VCF-style: chr15-85402555-A-G.
Other names: short protein forms N1300S.
Identifiers: ClinVar variation 1495880 (VCV001495880.11), dbSNP rs115510864, ClinGen allele CA7709759.
Genomic context (GRCh38, chr15:84,859,324, plus strand): 5'-TTCGGGTGGAGCAGTTTCCTGATGCCTCCGGTAGCCTGAAGCTGTGGTGCCAGTTTTTCA[A>G]CATTCTTAGTGACTCAGTCTTGACATGGGCCAAGGATCAGCGCCCAGTGGGCGAGGTGGG-3'
Protein context (NP_065829.4, residues 1290-1310): GSLKLWCQFF[Asn1300Ser]ILSDSVLTWA

ClinVar aggregate classification (germline): Uncertain significance. Review status: criteria provided, multiple submitters, no conflicts (2 of 4 stars). 2 submissions from 2 submitters: Uncertain significance (2). Last evaluated 2025-10-26.

Conditions:
Cardiovascular phenotype. Identifiers: MedGen CN230736.

Allele frequency attached by ClinVar (database versions not stated): gnomAD 0.00004 and 0.00005; 1000 Genomes Project 0.00020; gnomAD exomes 0.00001; 1000 Genomes Project 30x 0.00016; ExAC 0.00001; TOPMed 0.00002.
gnomAD v4.1: 15 of 1,614,140 alleles (0.00093%); highest among the groups gnomAD compares: African/African-American, 0.013%; no homozygotes.

Submissions (2):

Labcorp Genetics (formerly Invitae), Labcorp
Classification: Uncertain significance. Last evaluated: 2025-10-26. Review status: criteria provided, single submitter. Criteria: Invitae Variant Classification Sherloc (09022015). Collection method: clinical testing. Allele origin: germline.
Comment: This sequence change replaces asparagine, which is neutral and polar, with serine, which is neutral and polar, at codon 1502 of the ALPK3 protein (p.Asn1502Ser). This variant is present in population databases (rs115510864, gnomAD 0.01%). This variant has not been reported in the literature in individuals affected with ALPK3-related conditions. ClinVar contains an entry for this variant (Variation ID: 1495880). Invitae Evidence Modeling of protein sequence and biophysical properties (such as structural, functional, and spatial information, amino acid conservation, physicochemical variation, residue mobility, and thermodynamic stability) indicates that this missense variant is expected to disrupt ALPK3 protein function with a positive predictive value of 80%. In summary, the available evidence is currently insufficient to determine the role of this variant in disease. Therefore, it has been classified as a Variant of Uncertain Significance.

Ambry Genetics
Classification: Uncertain significance for Cardiovascular phenotype. Last evaluated: 2025-02-22. Review status: criteria provided, single submitter. Criteria: Ambry Variant Classification Scheme 2023. Collection method: clinical testing. Allele origin: germline.
Comment: The p.N1502S variant (also known as c.4505A>G), located in coding exon 7 of the ALPK3 gene, results from an A to G substitution at nucleotide position 4505. The asparagine at codon 1502 is replaced by serine, an amino acid with highly similar properties. This amino acid position is conserved. In addition, this alteration is predicted to be tolerated by in silico analysis. Based on the available evidence, the clinical significance of this variant remains unclear.